The following is an entry in ClinVar:

ClinVar aggregate classification (germline): Uncertain significance (1 of 4 stars; one submission).

Conditions:
Cowden syndrome (CS). Also called: Cowden's disease; Cowden's syndrome; Cowden disease. Identifiers: Orphanet 201, MedGen C0018553, MONDO:0016063. Disease mechanism: gain of function.

Allele frequency attached by ClinVar (database versions not stated): gnomAD exomes below 0.00001.
gnomAD v4.1: 1 of 1,612,450 alleles (0.000062%); highest among the groups gnomAD compares: Non-Finnish European, 0.000085%; no homozygotes.

Submission:

Labcorp Genetics (formerly Invitae), Labcorp
Classification: Uncertain significance for Cowden syndrome. Last evaluated: 2018-06-12. Review status: criteria provided, single submitter. Criteria: Invitae Variant Classification Sherloc (09022015). Collection method: clinical testing. Allele origin: germline.
Comment: This variant is not present in population databases (ExAC no frequency). This variant has not been reported in the literature in individuals with PIK3CA-related disease. Algorithms developed to predict the effect of missense changes on protein structure and function (SIFT, PolyPhen-2, Align-GVGD) all suggest that this variant is likely to be disruptive, but these predictions have not been confirmed by published functional studies and their clinical significance is uncertain. In summary, the available evidence is currently insufficient to determine the role of this variant in disease. Therefore, it has been classified as a Variant of Uncertain Significance. This sequence change replaces arginine with glutamine at codon 992 of the PIK3CA protein (p.Arg992Gln). The arginine residue is highly conserved and there is a small physicochemical difference between arginine and glutamine.

NM_006218.4(PIK3CA):c.2975G>A (p.Arg992Gln)

Gene: PIK3CA (phosphatidylinositol-4,5-bisphosphate 3-kinase catalytic subunit alpha; plus strand). Cytogenetic location: 3q26.32.
Variant type: single nucleotide variant.
Coding change: c.2975G>A on transcript NM_006218.4 (MANE Select); coding-DNA position 2975, G replaced by A.
Protein change: p.Arg992Gln; replaces arginine 992 with glutamine.
Molecular consequence: missense variant.
Genome position (GRCh38, 1-based): chr3:179,234,132, G>A. VCF-style: chr3-179234132-G-A. GRCh37 (hg19) VCF-style: chr3-178951920-G-A.
Other names: c.2975G>A (LRG_310t1); short protein forms R992Q.
Identifiers: ClinVar variation 582675 (VCV000582675.9), dbSNP rs1560150481, ClinGen allele CA355284596.